The following is an entry in ClinVar:

ClinVar aggregate classification (germline): Pathogenic. Review status: reviewed by expert panel (3 of 4 stars). 6 submissions from 6 submitters: Pathogenic (1). 5 of the submissions do not count toward it. Last evaluated 2026-03-17.

Conditions:
Macrothrombocytopenia. Identifiers: MedGen C2751260, HP:0040185.
Bernard Soulier syndrome (BSS). Also called: VON WILLEBRAND FACTOR RECEPTOR DEFICIENCY; BLEEDING DISORDER, PLATELET-TYPE, 1; PLATELET GLYCOPROTEIN Ib DEFICIENCY; Giant platelet syndrome; Hemorrhagiparous thrombocytic dystrophy; Giant platelet disease. Identifiers: Orphanet 274, MedGen C0005129, MeSH D001606, MONDO:0009276, OMIM 231200.
Bernard-Soulier syndrome type C. Identifiers: MedGen C1856448.

Allele frequency attached by ClinVar (database versions not stated): TOPMed below 0.00001; gnomAD 0.00001.

Submissions (6):

ClinGen Platelet Disorders Variant Curation Expert Panel, ClinGen
Classification: Pathogenic for Bernard Soulier syndrome. Last evaluated: 2026-03-17. Review status: reviewed by expert panel. Criteria: ClinGen Platelet ACMG Specifications GP9 V1.0.0. Collection method: curation. Allele origin: germline. Inheritance: Autosomal recessive inheritance.
Comment: The c.212C>T variant in GP9 is a missense variant predicted to cause substitution of phenylalanine by serine at amino acid 71. This variant has been detected in at least 16 probands with Bernard-Soulier syndrome. This variant has been detected in at least 8 probands with supporting laboratory results described in the literature (PM3_Strong). Two of these probands were compound heterozygous for this variant and another variant (c.266G>A [p.Cys89Tyr], c.182A>G [p.Asn61Ser]) (PMID:24934643). Six of these probands were homozygous for the variant, with at least 3 of these confirmed using parental testing or other methods (PMIDs: 9163595, 432024, 21173099, 21699652, 25539746). At least one patient (proband in PMID: 9432024) with this variant had aggregation absent for ristocetin and present for all other agonists and flow cytometry with less than 10% expression of GPIba, which is highly specific for Bernard-Soulier syndrome (PP4). The variant has been reported to segregate with Bernard-Soulier syndrome in the proband plus two affected family members, all with the homozygous genotype (PP1_moderate; PMID:17763149). Another missense variant in the same codon has been reported in a patient with Bernard-Soulier syndrome c.212T>G, p.Phe71Cys (PMID:21699652), classified likely pathogenic by the ClinGen PD VCEP (PM5_supporting). The highest minor allele frequency in gnomaDv4.1 is 0.00003294 (3/91084 alleles) in the South Asian genetic ancestry group, which is below the <0.0000329 threshold for PM2_supporting. Surface expression of GP1Ba measured by flow cytometry in CHO-K1 cells transiently co-transfected with the c.212T>C variant in GP9 and wild type GP1Bb showed decreased expression at ~17% (<25%) WT levels, indicating that this variant impacts protein function (PMID:10527407; PS3_Supporting). In summary, this variant meets the criteria to be classified as pathogenic for autosomal recessive Bernard-Soulier syndrome based on the ACMG/AMP criteria applied, as specified by the ClinGen PD VCEP: PP4, PM3_strong, PM2_Supporting, PS3_Supporting, PP1_Moderate, PM5_supporting (VCEP specifications version 1).

Labcorp Genetics (formerly Invitae), Labcorp
Classification: Pathogenic. Last evaluated: 2023-11-21. Review status: criteria provided, single submitter. Criteria: Invitae Variant Classification Sherloc (09022015). Collection method: clinical testing. Allele origin: germline. Not counted in ClinVar's aggregate classification.
Comment: This sequence change replaces phenylalanine, which is neutral and non-polar, with serine, which is neutral and polar, at codon 71 of the GP9 protein (p.Phe71Ser). This variant is not present in population databases (gnomAD no frequency). This missense change has been observed in individuals with Bernard-Soulier Syndrome and/or Bernard-Soulier syndrome (PMID: 9163595, 21699652, 25539746, 28395735, 29636940). This variant is also known as Phe55Ser. ClinVar contains an entry for this variant (Variation ID: 13531). An algorithm developed to predict the effect of missense changes on protein structure and function (PolyPhen-2) suggests that this variant is likely to be disruptive. This variant disrupts the p.Phe71 amino acid residue in GP9. Other variant(s) that disrupt this residue have been determined to be pathogenic (PMID: 21699652; Invitae). This suggests that this residue is clinically significant, and that variants that disrupt this residue are likely to be disease-causing. For these reasons, this variant has been classified as Pathogenic.

Women's Health and Genetics/Laboratory Corporation of America, LabCorp
Classification: Pathogenic for Bernard Soulier syndrome. Last evaluated: 2022-05-25. Review status: criteria provided, single submitter. Criteria: LabCorp Variant Classification Summary - May 2015. Collection method: clinical testing. Allele origin: germline. Not counted in ClinVar's aggregate classification.
Comment: Variant summary: GP9 c.212T>C (p.Phe71Ser) results in a non-conservative amino acid change located in the Leucine-rich repeat (IPR001611) of the encoded protein sequence. Five of five in-silico tools predict a damaging effect of the variant on protein function. The variant was absent in 248306 control chromosomes (gnomAD). c.212T>C has been reported in the literature in multiple homozygous individuals affected with Bernard Soulier Syndrome (Noris_1997, Suzuki_1997, Sumitha_2011, Sanchez-Guiu_2014, Savoia_2011). These data indicate that the variant is very likely to be associated with disease. To our knowledge, no experimental evidence demonstrating an impact on protein function has been reported, however it is suggested that disruption of the the leucine-rich repeat motif impairs surface expression of the GPIb/IX/V complex (Sumitha_2011, Suzuki_1997). Other substitutions at this codon (Phe>Cys) have also been found to impact surface GPIb/IX/V expression (Sumitha_2011). Two ClinVar submitters have assessed the variant since 2014: one classified the variant as likely pathogenic and the other as pathogenic. Based on the evidence outlined above, the variant was classified as pathogenic.

NIHR Bioresource Rare Diseases, University of Cambridge
Classification: Pathogenic for Macrothrombocytopenia. Last evaluated: 2019-02-01. Review status: criteria provided, single submitter. Criteria: ACMG Guidelines, 2015. Collection method: research. Allele origin: unknown. Affected: yes. Observed: 1 homozygote. Study: ThromboGenomics. Not counted in ClinVar's aggregate classification.

ISTH-SSC Genomics in Thrombosis and Hemostasis, KU Leuven, Center for Molecular and Vascular Biology
Classification: Pathogenic for Bernard Soulier syndrome. Review status: criteria provided, single submitter. Criteria: ACMG Guidelines, 2015. Collection method: clinical testing. Allele origin: germline. Affected: yes. Observed: 3 homozygotes. Clinical features observed: Macrothrombocytopenia, Bleeding, impaired platelet aggregation and flow cytometry. Not counted in ClinVar's aggregate classification.
Comment: GoldVariant submitter: Jose María Bastida Grupo Español de Alteraciones Plaquetarias Congénitas (GEAPC), Salamanca, Spain

OMIM
Classification: Pathogenic for BERNARD-SOULIER SYNDROME, TYPE C. Last evaluated: 1997-05-01. Review status: no assertion criteria provided. Collection method: literature only. Allele origin: germline. Not counted in ClinVar's aggregate classification.

Literature cited by the submitters: PubMed 9163595 (cited by 3 submitters); PubMed 21699652 (cited by Labcorp Genetics (formerly Invitae), Labcorp and Women's Health and Genetics/Laboratory Corporation of America, LabCorp); PubMed 25539746 (cited by 3 submitters); PubMed 28395735 (cited by Labcorp Genetics (formerly Invitae), Labcorp); PubMed 29636940 (cited by Labcorp Genetics (formerly Invitae), Labcorp); PubMed 21173099 (cited by Women's Health and Genetics/Laboratory Corporation of America, LabCorp); PubMed 9432024 (cited by Women's Health and Genetics/Laboratory Corporation of America, LabCorp); PubMed 31064749 (cited by NIHR Bioresource Rare Diseases, University of Cambridge); PubMed 34355501 (cited by ISTH-SSC Genomics in Thrombosis and Hemostasis, KU Leuven, Center for Molecular and Vascular Biology).

NM_000174.5(GP9):c.212T>C (p.Phe71Ser)

Gene: GP9 (glycoprotein IX platelet; plus strand). Cytogenetic location: 3q21.3.
Variant type: single nucleotide variant.
Coding change: c.212T>C on transcript NM_000174.5 (MANE Select); coding-DNA position 212, T replaced by C.
Protein change: p.Phe71Ser; replaces phenylalanine 71 with serine.
Molecular consequence: missense variant.
Genome position (GRCh38, 1-based): chr3:129,061,951, T>C. VCF-style: chr3-129061951-T-C. GRCh37 (hg19) VCF-style: chr3-128780794-T-C.
Other names: F55S; NM_000174.5(GP9):c.212T>C; short protein forms F71S.
Identifiers: ClinVar variation 13531 (VCV000013531.13), dbSNP rs121918037, ClinGen allele CA123177.